The following is an entry in ClinVar:

NC_000013.11:g.(?_76995053)_(76996137_?)del

Gene: CLN5 (CLN5 lysosomal BMP synthase; plus strand). Cytogenetic location: 13q22.3.
Variant type: Deletion.
Identifiers: ClinVar variation 833329 (VCV000833329.7).

ClinVar aggregate classification (germline): Pathogenic (1 of 4 stars; one submission).

Conditions:
Neuronal ceroid lipofuscinosis. Also called: Neuronal Ceroid Lipofuscinoses. Identifiers: Orphanet 216, Orphanet 79263, MedGen C0027877, MONDO:0016295. Disease mechanism: loss of function.

Submission:

Labcorp Genetics (formerly Invitae), Labcorp
Classification: Pathogenic for Neuronal ceroid lipofuscinosis. Last evaluated: 2021-01-13. Review status: criteria provided, single submitter. Criteria: Invitae Variant Classification Sherloc (09022015). Collection method: clinical testing. Allele origin: germline.
Comment: This variant disrupts the C-terminus of the CLN5 protein. Other variant(s) that disrupt this region (p.Phe309Serfs*12) have been determined to be pathogenic (PMID: 22532218, Invitae). This suggests that variants that disrupt this region of the protein are likely to be causative of disease. For these reasons, this variant has been classified as Pathogenic. This variant has not been reported in the literature in individuals with CLN5-related conditions. This variant is a sub-genic deletion of the genomic region encompassing exons 2-3 of the CLN5 gene. While this deletion is not anticipated to result in nonsense mediated decay, it is expected to create a truncated protein product.

Literature cited by the submitters: PubMed 22532218.